The following is an entry in ClinVar:

ClinVar aggregate classification (germline): Conflicting classifications of pathogenicity. Review status: criteria provided, conflicting classifications (1 of 4 stars). 3 submissions from 3 submitters: Uncertain significance (1); Likely benign (1). 1 of the submissions does not count toward it. Last evaluated 2024-11-15.

Conditions:
NOTCH3-related disorder. Also called: NOTCH3-related condition; NOTCH3-related disorders.

Allele frequency attached by ClinVar (database versions not stated): TOPMed 0.00003; ExAC 0.00005; gnomAD 0.00005; 1000 Genomes Project 30x 0.00016; 1000 Genomes Project 0.00020.

Submissions (3):

Blueprint Genetics
Classification: Likely benign. Last evaluated: 2024-11-15. Review status: criteria provided, single submitter. Criteria: ACMG Guidelines, 2015. Collection method: clinical testing. Allele origin: germline.

Women's Health and Genetics/Laboratory Corporation of America, LabCorp
Classification: Uncertain significance. Last evaluated: 2023-02-15. Review status: criteria provided, single submitter. Criteria: LabCorp Variant Classification Summary - May 2015. Collection method: clinical testing. Allele origin: germline.
Comment: Variant summary: NOTCH3 c.118+19G>T alters a nucleotide located close to a canonical splice site and therefore could affect mRNA splicing, leading to a significantly altered protein sequence. 4/4 computational tools predict no significant impact on normal splicing. However, these predictions have yet to be confirmed by functional studies. The variant allele was found at a frequency of 4.3e-05 in 70072 control chromosomes (gnomAD). The available data on variant occurrences in the general population are insufficient to allow any conclusion about variant significance. To our knowledge, no occurrence of c.118+19G>T in individuals affected with NOTCH3-Related Disorders and no experimental evidence demonstrating its impact on protein function have been reported. No clinical diagnostic laboratories have submitted clinical-significance assessments for this variant to ClinVar after 2014. Based on the evidence outlined above, the variant was classified as uncertain significance.

PreventionGenetics, part of Exact Sciences
Classification: Likely benign for NOTCH3-related condition. Last evaluated: 2023-08-22. Review status: no assertion criteria provided. Collection method: clinical testing. Allele origin: germline. Not counted in ClinVar's aggregate classification.
Comment: This variant is classified as likely benign based on ACMG/AMP sequence variant interpretation guidelines (Richards et al. 2015 PMID: 25741868, with internal and published modifications).

NM_000435.3(NOTCH3):c.118+19G>T

Gene: NOTCH3 (notch receptor 3; minus strand). Cytogenetic location: 19p13.12.
Variant type: single nucleotide variant.
Coding change: c.118+19G>T on transcript NM_000435.3 (MANE Select); 19 bases into the intron after coding-DNA position 118, G replaced by T.
Molecular consequence: intron variant.
Genome position (GRCh38, 1-based): chr19:15,200,769, C>A on the plus strand (G>T on the coding strand, the complement: NOTCH3 is on the minus strand). VCF-style: chr19-15200769-C-A. GRCh37 (hg19) VCF-style: chr19-15311580-C-A.
Other names: c.118+19G>T (NM_000435.2).
Identifiers: ClinVar variation 2445855 (VCV002445855.4), dbSNP rs533017601, ClinGen allele CA9264019.